The following is an entry in ClinVar:

ClinVar aggregate classification (germline): Uncertain significance. Review status: criteria provided, multiple submitters, no conflicts (2 of 4 stars). 3 submissions from 3 submitters: Uncertain significance (3). Last evaluated 2024-12-06.

Conditions:
MIRAGE syndrome. Also called: MYELODYSPLASIA, INFECTION, RESTRICTION OF GROWTH, ADRENAL HYPOPLASIA, GENITAL PHENOTYPES, AND ENTEROPATHY. Identifiers: Orphanet 494433, MedGen C4284088, MONDO:0014888, OMIM 617053.
Inborn genetic diseases. Identifiers: MedGen C0950123, MeSH D030342.

Allele frequency attached by ClinVar (database versions not stated): gnomAD 0.00001 and 0.00002; gnomAD exomes 0.00001 and 0.00002; TOPMed 0.00001; ExAC 0.00002; ESP Exome Variant Server 0.00008; 1000 Genomes Project 30x 0.00016; 1000 Genomes Project 0.00020.
gnomAD v4.1: 12 of 1,613,766 alleles (0.00074%); highest among the groups gnomAD compares: East Asian, 0.022%; no homozygotes.

Submissions (3):

Ambry Genetics
Classification: Uncertain significance for Inborn genetic diseases. Last evaluated: 2024-12-06. Review status: criteria provided, single submitter. Criteria: Ambry Variant Classification Scheme 2023. Collection method: clinical testing. Allele origin: germline.
Comment: The p.T298I variant (also known as c.893C>T), located in coding exon 1 of the SAMD9 gene, results from a C to T substitution at nucleotide position 893. The threonine at codon 298 is replaced by isoleucine, an amino acid with similar properties. This amino acid position is conserved. In addition, this alteration is predicted to be tolerated by in silico analysis. Based on the available evidence, the clinical significance of this variant remains unclear.

GeneDx
Classification: Uncertain significance. Last evaluated: 2024-11-07. Review status: criteria provided, single submitter. Criteria: GeneDx Variant Classification Process June 2021. Collection method: clinical testing. Allele origin: germline. Affected: yes.
Comment: Not observed at significant frequency in large population cohorts (gnomAD); In silico analysis indicates that this missense variant does not alter protein structure/function; Has not been previously published as pathogenic or benign to our knowledge; This variant is associated with the following publications: (PMID: 28545555)

New York Genome Center
Classification: Uncertain significance for MIRAGE syndrome. Last evaluated: 2021-05-28. Review status: criteria provided, single submitter. Criteria: NYGC Assertion Criteria 2020. Collection method: clinical testing. Allele origin: inherited. Observed: 1 heterozygote. Study: CSER-NYCKidSeq.

NM_017654.4(SAMD9):c.893C>T (p.Thr298Ile)

Gene: SAMD9 (sterile alpha motif domain containing 9; minus strand). Cytogenetic location: 7q21.2.
Variant type: single nucleotide variant.
Coding change: c.893C>T on transcript NM_017654.4 (MANE Select); coding-DNA position 893, C replaced by T.
Protein change: p.Thr298Ile; replaces threonine 298 with isoleucine.
Molecular consequence: missense variant.
Genome position (GRCh38, 1-based): chr7:93,105,205, G>A on the plus strand (C>T on the coding strand, the complement: SAMD9 is on the minus strand). VCF-style: chr7-93105205-G-A. GRCh37 (hg19) VCF-style: chr7-92734518-G-A.
Other names: c.893C>T, p.Thr298Ile (NM_001193307.2); c.893C>T (NM_017654.3); short protein forms T298I.
Identifiers: ClinVar variation 1679793 (VCV001679793.3), dbSNP rs200135790, ClinGen allele CA4343063.
Genomic context (GRCh38, chr7:93,105,205, plus strand): 5'-TATTGGCATTCAGAGAACTGTGGAATAATGTCCACTTCAATAACAAATCTGTCAGATAGA[G>A]TACTATTTGGCAGTAAAACTTCCACAAATCTTGGCTCTCGAATGCACTTCTTTGCTTGTT-3'
Protein context (NP_060124.2, residues 288-308): RFVEVLLPNS[Thr298Ile]LSDRFVIEVD